The following is an entry in ClinVar:

NM_001349999.2(RBFOX2):c.1262C>G (p.Ala421Gly)

Gene: RBFOX2 (RNA binding fox-1 homolog 2; minus strand). Cytogenetic location: 22q12.3.
Variant type: single nucleotide variant.
Coding change: c.1262C>G on transcript NM_001349999.2 (MANE Select); coding-DNA position 1262, C replaced by G.
Protein change: p.Ala421Gly; replaces alanine 421 with glycine.
Molecular consequence: missense variant.
Genome position (GRCh38, 1-based): chr22:35,745,960, G>C on the plus strand (C>G on the coding strand, the complement: RBFOX2 is on the minus strand). VCF-style: chr22-35745960-G-C. GRCh37 (hg19) VCF-style: chr22-36142007-G-C.
Other names: c.1075C>G, p.Pro359Ala (NM_001349994.2); c.994C>G, p.Pro332Ala (NM_001349995.2); c.1115C>G, p.Ala372Gly (NM_001349996.2, NM_001349990.2); c.1064C>G, p.Ala355Gly (NM_001349997.2); c.1093C>G, p.Pro365Ala (NM_001349998.2); c.1256C>G, p.Ala419Gly (NM_001394108.1); c.1166C>G, p.Ala389Gly (NM_001394109.1, NM_001394110.1); c.1126C>G, p.Pro376Ala (NM_001394111.1); and 14 more; short protein forms A372G, A424G, P338A, P359A, P363A, P383A, P387A, A350G.
Identifiers: ClinVar variation 2976403 (VCV002976403.3), dbSNP rs773996802, ClinGen allele CA10206676.

ClinVar aggregate classification (germline): Uncertain significance (1 of 4 stars; one submission).

Allele frequency attached by ClinVar (database versions not stated): ExAC 0.00001; gnomAD 0.00001; TOPMed 0.00002; gnomAD exomes 0.00003.
gnomAD v4.1: 49 of 1,613,942 alleles (0.003%); highest among the groups gnomAD compares: Non-Finnish European, 0.004%; no homozygotes.

Submission:

Labcorp Genetics (formerly Invitae), Labcorp
Classification: Uncertain significance. Last evaluated: 2023-06-19. Review status: criteria provided, single submitter. Criteria: Invitae Variant Classification Sherloc (09022015). Collection method: clinical testing. Allele origin: germline.
Comment: This sequence change replaces alanine, which is neutral and non-polar, with glycine, which is neutral and non-polar, at codon 425 of the RBFOX2 protein (p.Ala425Gly). This variant is present in population databases (rs773996802, gnomAD 0.007%). This variant has not been reported in the literature in individuals affected with RBFOX2-related conditions. An algorithm developed to predict the effect of missense changes on protein structure and function (PolyPhen-2) suggests that this variant is likely to be disruptive. In summary, the available evidence is currently insufficient to determine the role of this variant in disease. Therefore, it has been classified as a Variant of Uncertain Significance.